The following is an entry in ClinVar:

ClinVar aggregate classification (germline): Uncertain significance (1 of 4 stars; one submission).

Submission:

GeneDx
Classification: Uncertain significance. Last evaluated: 2023-11-16. Review status: criteria provided, single submitter. Criteria: GeneDx Variant Classification Process June 2021. Collection method: clinical testing. Allele origin: germline. Affected: yes.
Comment: Not observed at significant frequency in large population cohorts (gnomAD); In silico analysis supports that this missense variant does not alter protein structure/function; Has not been previously published as pathogenic or benign to our knowledge

NM_001378120.1(MBD5):c.1043A>C (p.Lys348Thr)

Gene: MBD5 (methyl-CpG binding domain protein 5; plus strand). Cytogenetic location: 2q23.1.
Variant type: single nucleotide variant.
Coding change: c.1043A>C on transcript NM_001378120.1 (MANE Select); coding-DNA position 1043, A replaced by C.
Protein change: p.Lys348Thr; replaces lysine 348 with threonine.
Molecular consequence: missense variant.
Genome position (GRCh38, 1-based): chr2:148,468,986, A>C. VCF-style: chr2-148468986-A-C. GRCh37 (hg19) VCF-style: chr2-149226555-A-C.
Other names: c.1043A>C, p.Lys348Thr (NM_018328.5); short protein forms K348T.
Identifiers: ClinVar variation 3363278 (VCV003363278.1).